The following is an entry in ClinVar:

NM_001358530.2(MOCS1):c.604_624del (p.Gly202_Glu208del)

Gene: MOCS1 (molybdenum cofactor synthesis 1; minus strand). Cytogenetic location: 6p21.2.
Variant type: Deletion.
Coding change: c.604_624del on transcript NM_001358530.2 (MANE Select); coding-DNA positions 604 to 624, 21 bases deleted (GGCATCCACAAGGCCATCGAG).
Protein change: p.Gly202_Glu208del.
Molecular consequence: inframe deletion. On other transcripts: non-coding transcript variant (1).
Genome position (GRCh38, 1-based): chr6:39,913,795-39,913,815, CTCGATGGCCTTGTGGATGCC deleted on the plus strand (GGCATCCACAAGGCCATCGAG on the coding strand, the reverse complement: MOCS1 is on the minus strand); deleting any 21 consecutive bases within chr6:39,913,795-39,913,818 gives the same sequence; the c. name uses the placement nearest the transcript's 3' end. VCF-style (leftmost placement, unchanged base first): chr6-39913794-GCTCGATGGCCTTGTGGATGCC-G. GRCh37 (hg19) VCF-style: chr6-39881538-GCTCGATGGCCTTGTGGATGCC-G.
Other names: c.604_624delGGCATCCACAAGGCCATCGAG (NM_005943.5); c.604_624del, p.Gly202_Glu208del (NM_001075098.4, NM_001358529.2, NM_005943.6); c.343_363del, p.Gly115_Glu121del (NM_001358531.2, NM_001358533.2, NM_001358534.2); c.604_624del21 (NM_005943.5).
Identifiers: ClinVar variation 280910 (VCV000280910.2), dbSNP rs886042028, ClinGen allele CA10602982.

ClinVar aggregate classification (germline): Pathogenic (1 of 4 stars; one submission).

Submission:

GeneDx
Classification: Pathogenic. Last evaluated: 2016-09-23. Review status: criteria provided, single submitter. Criteria: GeneDx Variant Classification (06012015). Collection method: clinical testing. Allele origin: germline. Affected: yes.
Comment: The c.604_624del21 variant in the MOCS1 gene has been published previously in association with molybdenum cofactor deficiency (reported as c.603_623del21 due to a difference in nomenclature) (Reiss et al., 2011). The c.604_624del21 variant was not observed in approximately 6500 individuals of European and African American ancestry in the NHLBI Exome Sequencing Project, indicating it is not a common benign variant in these populations. The c.604_624del21 variant results in the in-frame deletion of seven conserved amino acids. Other in-frame indels in the MOCS1 gene have been reported in the Human Gene Mutation Database in association with molybdenum cofactor deficiency (Stenson et al., 2014), supporting the functional importance of this aberration. Therefore, we interpret c.604_624del21 as a pathogenic variant.